The following is an entry in ClinVar:

NM_000051.4(ATM):c.361T>A (p.Leu121Ile)

Gene: ATM (ATM serine/threonine kinase; plus strand). Cytogenetic location: 11q22.3.
Variant type: single nucleotide variant.
Coding change: c.361T>A on transcript NM_000051.4 (MANE Select); coding-DNA position 361, T replaced by A.
Protein change: p.Leu121Ile; replaces leucine 121 with isoleucine.
Molecular consequence: missense variant.
Genome position (GRCh38, 1-based): chr11:108,235,699, T>A. VCF-style: chr11-108235699-T-A. GRCh37 (hg19) VCF-style: chr11-108106426-T-A.
Other names: p.Leu121Ile; c.361T>A, p.Leu121Ile (NM_001351834.2); short protein forms L121I.
Identifiers: ClinVar variation 142013 (VCV000142013.24), dbSNP rs587782178, ClinGen allele CA167127.

ClinVar aggregate classification (germline): Uncertain significance. Review status: criteria provided, multiple submitters, no conflicts (2 of 4 stars). 9 submissions from 9 submitters: Uncertain significance (8). 1 of the submissions does not count toward it. Last evaluated 2026-02-20.

Conditions:
ATM-related disorder. Also called: ATM-related disorders; ATM-related condition.
Hereditary cancer-predisposing syndrome. Also called: Tumor predisposition; Neoplastic Syndromes, Hereditary; Hereditary neoplastic syndrome; Hereditary Cancer Syndrome. Identifiers: Orphanet 140162, MedGen C0027672, MeSH D009386, MONDO:0015356.
Ataxia-telangiectasia syndrome (AT). Also called: Ataxia-telangiectasia, complementation group D; AT, COMPLEMENTATION GROUP C; Cerebello-oculocutaneous telangiectasia; Immunodeficiency with ataxia telangiectasia; ATAXIA-TELANGIECTASIA, COMPLEMENTATION GROUP A; ATAXIA-TELANGIECTASIA, FRESNO VARIANT. Identifiers: Orphanet 100, MedGen C0004135, MONDO:0008840, OMIM 208900.
Familial cancer of breast. Also called: BREAST CANCER, FAMILIAL; Hereditary breast cancer; hereditary breast carcinoma. Identifiers: Orphanet 227535, MedGen C0346153, MONDO:0016419, OMIM 114480. Disease mechanism: loss of function.

Allele frequency attached by ClinVar (database versions not stated): gnomAD exomes below 0.00001; gnomAD 0.00001.
gnomAD v4.1: 4 of 1,611,958 alleles (0.00025%); highest among the groups gnomAD compares: African/African-American, 0.0013%; no homozygotes.

Submissions (9):

St. Jude Molecular Pathology, St. Jude Children's Research Hospital
Classification: Uncertain significance for Familial cancer of breast. Last evaluated: 2026-02-20. Review status: criteria provided, single submitter. Criteria: St. Jude Assertion Criteria 2020. Collection method: clinical testing. Allele origin: germline.
Comment: The ATM c.361T>A p.(Leu121Ile) missense change has a maximum subpopulation frequency of 0.004% in gnomAD v2.1.1. The in silico tool REVEL predic ts a benign effect on protein function, but to our knowledge this prediction has not been confirmed by functional studies. This variant has been reported in an individual with breast cancer (PMID: 25186627). To our knowledge, this variant has not been re ported in individuals with ataxia telangiectasia. In summary, the evidence currently available is insufficient to determine the clinical significance of this variant. It has therefore been classified as of uncertain significance.

Labcorp Genetics (formerly Invitae), Labcorp
Classification: Uncertain significance for Ataxia-telangiectasia syndrome. Last evaluated: 2025-12-23. Review status: criteria provided, single submitter. Criteria: Invitae Variant Classification Sherloc (09022015). Collection method: clinical testing. Allele origin: germline.
Comment: This sequence change replaces leucine, which is neutral and non-polar, with isoleucine, which is neutral and non-polar, at codon 121 of the ATM protein (p.Leu121Ile). This variant is present in population databases (rs587782178, gnomAD 0.004%). This missense change has been observed in individual(s) with breast cancer (PMID: 25186627). ClinVar contains an entry for this variant (Variation ID: 142013). Invitae Evidence Modeling of protein sequence and biophysical properties (such as structural, functional, and spatial information, amino acid conservation, physicochemical variation, residue mobility, and thermodynamic stability) indicates that this missense variant is not expected to disrupt ATM protein function with a negative predictive value of 95%. In summary, the available evidence is currently insufficient to determine the role of this variant in disease. Therefore, it has been classified as a Variant of Uncertain Significance.

PreventionGenetics, part of Exact Sciences
Classification: Uncertain significance for ATM-related condition. Last evaluated: 2025-05-27. Review status: criteria provided, single submitter. Criteria: ACMG Guidelines, 2015. Collection method: clinical testing. Allele origin: germline.
Comment: The ATM c.361T>A variant is predicted to result in the amino acid substitution p.Leu121Ile. This variant has been reported in an individual with a personal history of breast cancer (Supporting Data, Tung et al. 2014. PubMed ID: 25186627). This variant is reported in 0.0040% of alleles in individuals of African descent in gnomAD and is classified as a variant of uncertain significance by multiple submitters in the ClinVar database. At this time, the clinical significance of this variant is uncertain due to the absence of conclusive functional and genetic evidence.

Ambry Genetics
Classification: Uncertain significance for Hereditary cancer-predisposing syndrome. Last evaluated: 2025-04-29. Review status: criteria provided, single submitter. Criteria: Ambry Variant Classification Scheme 2023. Collection method: clinical testing. Allele origin: germline.
Comment: The p.L121I variant (also known as c.361T>A), located in coding exon 4 of the ATM gene, results from a T to A substitution at nucleotide position 361. The leucine at codon 121 is replaced by isoleucine, an amino acid with highly similar properties. This amino acid position is highly conserved in available vertebrate species. In addition, this alteration is predicted to be tolerated by in silico analysis. Based on the available evidence, the clinical significance of this variant remains unclear.

Mayo Clinic Laboratories, Mayo Clinic
Classification: Uncertain significance. Last evaluated: 2025-04-09. Review status: criteria provided, single submitter. Criteria: ACMG Guidelines, 2015. Collection method: clinical testing. Allele origin: germline. Observed: 1 variant allele.
Comment: BP4_moderate

Fulgent Genetics
Classification: Uncertain significance for Familial cancer of breast; Ataxia-telangiectasia syndrome. Last evaluated: 2024-05-21. Review status: criteria provided, single submitter. Criteria: ACMG Guidelines, 2015. Collection method: clinical testing. Allele origin: germline.

Color Diagnostics, LLC DBA Color Health
Classification: Uncertain significance for Hereditary cancer-predisposing syndrome. Last evaluated: 2024-01-22. Review status: criteria provided, single submitter. Criteria: ACMG Guidelines, 2015. Collection method: clinical testing. Allele origin: germline.
Comment: This missense variant replaces leucine with isoleucine at codon 121 of the ATM protein. Computational prediction suggests that this variant may not impact protein structure and function. To our knowledge, functional studies have not been reported for this variant. This variant has been reported in an individual affected with breast cancer (PMID: 25186627). This variant has been identified in 3/282512 chromosomes in the general population by the Genome Aggregation Database (gnomAD). The available evidence is insufficient to determine the role of this variant in disease conclusively. Therefore, this variant is classified as a Variant of Uncertain Significance.

GeneDx
Classification: Uncertain significance. Last evaluated: 2015-11-12. Review status: criteria provided, single submitter. Criteria: GeneDx Variant Classification (06012015). Collection method: clinical testing. Allele origin: germline. Affected: yes.
Comment: This variant is denoted ATM c.361T>A at the cDNA level, p.Leu121Ile (L121I) at the protein level, and results in the change of a Leucine to an Isoleucine (TTA>ATA). This variant has not, to our knowledge, been published in the literature as pathogenic or benign. ATM Leu121Ile was not observed in approximately 6,500 individuals of European and African American ancestry in the NHLBI Exome Sequencing Project, suggesting it is not a common benign variant in these populations. Since Leucine and Isoleucine share similar properties, this is considered a conservative amino acid substitution. ATM Leu121Ile occurs at a position that is conserved across species and is not located in a known functional domain (Tavtigian 2009, Stracker 2013). In silico analyses are inconsistent regarding the effect this variant may have on protein structure and function. Based on currently available evidence, it is unclear whether ATM Leu121Ile is a pathogenic or benign variant. We consider it to be a variant of uncertain significance.

Natera, Inc.
Classification: Uncertain significance for Ataxia-telangiectasia. Last evaluated: 2020-09-16. Review status: no assertion criteria provided. Collection method: clinical testing. Allele origin: germline. Not counted in ClinVar's aggregate classification.

Literature cited by the submitters: PubMed 25186627 (cited by Labcorp Genetics (formerly Invitae), Labcorp and Color Diagnostics, LLC DBA Color Health).